The following is an entry in ClinVar:

ClinVar aggregate classification (germline): Uncertain significance. Review status: criteria provided, multiple submitters, no conflicts (2 of 4 stars). 2 submissions from 2 submitters: Uncertain significance (2). Last evaluated 2022-10-28.

Conditions:
Acrocallosal syndrome (ACLS). Also called: HALLUX DUPLICATION, POSTAXIAL POLYDACTYLY, AND ABSENCE OF CORPUS CALLOSUM; Schinzel syndrome 1; Absence of corpus callosum with unusual facial appearance, mental deficiency, duplication of the halluces and polydactyly. Identifiers: Orphanet 36, MedGen C0796147, MONDO:0008708, OMIM 200990.

Allele frequency attached by ClinVar (database versions not stated): gnomAD exomes 0.00001 and 0.00005; TOPMed 0.00001.
gnomAD v4.1: 70 of 1,545,924 alleles (0.0045%); highest among the groups gnomAD compares: Non-Finnish European, 0.0058%; no homozygotes.

Submissions (2):

Labcorp Genetics (formerly Invitae), Labcorp
Classification: Uncertain significance for Acrocallosal syndrome. Last evaluated: 2022-10-28. Review status: criteria provided, single submitter. Criteria: Invitae Variant Classification Sherloc (09022015). Collection method: clinical testing. Allele origin: germline.
Comment: This sequence change replaces arginine, which is basic and polar, with histidine, which is basic and polar, at codon 234 of the KIF7 protein (p.Arg234His). This variant is present in population databases (no rsID available, gnomAD 0.02%). This variant has not been reported in the literature in individuals affected with KIF7-related conditions. ClinVar contains an entry for this variant (Variation ID: 1438167). Advanced modeling of protein sequence and biophysical properties (such as structural, functional, and spatial information, amino acid conservation, physicochemical variation, residue mobility, and thermodynamic stability) performed at Invitae indicates that this missense variant is not expected to disrupt KIF7 protein function. In summary, the available evidence is currently insufficient to determine the role of this variant in disease. Therefore, it has been classified as a Variant of Uncertain Significance.

Blueprint Genetics
Classification: Uncertain significance. Last evaluated: 2020-04-14. Review status: criteria provided, single submitter. Criteria: ACMG Guidelines, 2015. Collection method: clinical testing. Allele origin: germline.

NM_198525.3(KIF7):c.701G>A (p.Arg234His)

Gene: KIF7 (kinesin family member 7; minus strand). Cytogenetic location: 15q26.1.
Variant type: single nucleotide variant.
Coding change: c.701G>A on transcript NM_198525.3 (MANE Select); coding-DNA position 701, G replaced by A.
Protein change: p.Arg234His; replaces arginine 234 with histidine.
Molecular consequence: missense variant.
Genome position (GRCh38, 1-based): chr15:89,649,196, C>T on the plus strand (G>A on the coding strand, the complement: KIF7 is on the minus strand). VCF-style: chr15-89649196-C-T. GRCh37 (hg19) VCF-style: chr15-90192427-C-T.
Other names: short protein forms R234H.
Identifiers: ClinVar variation 1438167 (VCV001438167.4), dbSNP rs898910099, ClinGen allele CA274582844.